The following is an entry in ClinVar:

ClinVar aggregate classification (germline): Pathogenic (1 of 4 stars; one submission).

Conditions:
Inborn genetic diseases. Identifiers: MedGen C0950123, MeSH D030342.

Submission:

Ambry Genetics
Classification: Pathogenic for Inborn genetic diseases. Last evaluated: 2022-07-19. Review status: criteria provided, single submitter. Criteria: Ambry Variant Classification Scheme 2023. Collection method: clinical testing. Allele origin: germline.
Comment: The c.1476G>A (p.W492*) alteration, located in exon 10 (coding exon 10) of the WDR26 gene, consists of a G to A substitution at nucleotide position 1476. This changes the amino acid from a tryptophan (W) to a stop codon at amino acid position 492. This alteration is expected to result in loss of function by premature protein truncation or nonsense-mediated mRNA decay. This variant was not reported in population-based cohorts in the Genome Aggregation Database (gnomAD). Based on the available evidence, this alteration is classified as pathogenic.

NM_001379403.1(WDR26):c.1776G>A (p.Trp592Ter)

Gene: WDR26 (WD repeat domain 26; minus strand). Cytogenetic location: 1q42.11.
Variant type: single nucleotide variant.
Coding change: c.1776G>A on transcript NM_001379403.1 (MANE Select); coding-DNA position 1776, G replaced by A.
Protein change: p.Trp592Ter; replaces tryptophan 592 with a stop codon.
Molecular consequence: nonsense.
Genome position (GRCh38, 1-based): chr1:224,398,978, C>T on the plus strand (G>A on the coding strand, the complement: WDR26 is on the minus strand). VCF-style: chr1-224398978-C-T. GRCh37 (hg19) VCF-style: chr1-224586680-C-T.
Other names: c.1428G>A, p.Trp476Ter (NM_001115113.3); c.1476G>A, p.Trp492Ter (NM_025160.7); short protein forms W492*, W476*, W592*.
Identifiers: ClinVar variation 2297832 (VCV002297832.2), dbSNP rs2464682825, ClinGen allele CA344747302.